The following is an entry in ClinVar:

ClinVar aggregate classification (germline): Uncertain significance. Review status: criteria provided, multiple submitters, no conflicts (2 of 4 stars). 2 submissions from 2 submitters: Uncertain significance (2). Last evaluated 2025-01-06.

Submissions (2):

Labcorp Genetics (formerly Invitae), Labcorp
Classification: Uncertain significance. Last evaluated: 2025-01-06. Review status: criteria provided, single submitter. Criteria: Invitae Variant Classification Sherloc (09022015). Collection method: clinical testing. Allele origin: germline.
Comment: This sequence change replaces valine, which is neutral and non-polar, with isoleucine, which is neutral and non-polar, at codon 66 of the CTBP1 protein (p.Val66Ile). This variant is not present in population databases (gnomAD no frequency). This variant has not been reported in the literature in individuals affected with CTBP1-related conditions. ClinVar contains an entry for this variant (Variation ID: 1800903). An algorithm developed to predict the effect of missense changes on protein structure and function (PolyPhen-2) suggests that this variant is likely to be disruptive. In summary, the available evidence is currently insufficient to determine the role of this variant in disease. Therefore, it has been classified as a Variant of Uncertain Significance.

GeneDx
Classification: Uncertain significance. Last evaluated: 2022-05-23. Review status: criteria provided, single submitter. Criteria: GeneDx Variant Classification Process June 2021. Collection method: clinical testing. Allele origin: germline. Affected: yes.
Comment: Not observed at significant frequency in large population cohorts (gnomAD); In silico analysis supports that this missense variant does not alter protein structure/function; Has not been previously published as pathogenic or benign to our knowledge

NM_001012614.2(CTBP1):c.163G>A (p.Val55Ile)

Gene: CTBP1 (C-terminal binding protein 1; minus strand). Cytogenetic location: 4p16.3.
Variant type: single nucleotide variant.
Coding change: c.163G>A on transcript NM_001012614.2 (MANE Select); coding-DNA position 163, G replaced by A.
Protein change: p.Val55Ile; replaces valine 55 with isoleucine.
Molecular consequence: missense variant.
Genome position (GRCh38, 1-based): chr4:1,228,343, C>T on the plus strand (G>A on the coding strand, the complement: CTBP1 is on the minus strand). VCF-style: chr4-1228343-C-T. GRCh37 (hg19) VCF-style: chr4-1222131-C-T.
Other names: c.196G>A, p.Val66Ile (NM_001328.3, NM_001377186.1); c.163G>A, p.Val55Ile (NM_001377187.1, NM_001377188.1, NM_001377189.1 and 4 more transcripts); short protein forms V55I, V66I.
Identifiers: ClinVar variation 1800903 (VCV001800903.6), dbSNP rs2535133100, ClinGen allele CA355957182.
Genomic context (GRCh38, chr4:1,228,343, plus strand): 5'-GGTCCTCCCTGGTGAGAGTGATGGTGTGGTACATCAGGGCCCCCACAGCCTCGTTCAGGA[C>T]CTGCAGCGAGAAAGCACACAGGCTCAGCCCGGAACCTGAAGACCCTCGGGCTTGGCCTTC-3'
Protein context (NP_001012632.1, residues 45-65): AQSTQEIHEK[Val55Ile]LNEAVGALMY